The following is an entry in ClinVar:

NM_032806.6(POMGNT2):c.829G>A (p.Val277Met)

Gene: POMGNT2 (protein O-linked mannose N-acetylglucosaminyltransferase 2 (beta 1,4-); minus strand). Cytogenetic location: 3p22.1.
Variant type: single nucleotide variant.
Coding change: c.829G>A on transcript NM_032806.6 (MANE Select); coding-DNA position 829, G replaced by A.
Protein change: p.Val277Met; replaces valine 277 with methionine.
Molecular consequence: missense variant.
Genome position (GRCh38, 1-based): chr3:43,080,603, C>T on the plus strand (G>A on the coding strand, the complement: POMGNT2 is on the minus strand). VCF-style: chr3-43080603-C-T. GRCh37 (hg19) VCF-style: chr3-43122095-C-T.
Other names: short protein forms V277M.
Identifiers: ClinVar variation 837523 (VCV000837523.4), dbSNP rs191081141, ClinGen allele CA2339986.

ClinVar aggregate classification (germline): Uncertain significance (1 of 4 stars; one submission).

Conditions:
Muscular dystrophy-dystroglycanopathy (congenital with brain and eye anomalies), type a, 8 (MDDGA8). Also called: WALKER-WARBURG SYNDROME OR MUSCLE-EYE-BRAIN DISEASE, GTDC2-RELATED. Identifiers: Orphanet 899, MedGen C3553813, MONDO:0013904, OMIM 614830.

Allele frequency attached by ClinVar (database versions not stated): gnomAD 0.00001; TOPMed 0.00001; gnomAD exomes 0.00002 and 0.00006; ExAC 0.00007; 1000 Genomes Project 30x 0.00031; 1000 Genomes Project 0.00040.
gnomAD v4.1: 33 of 1,614,222 alleles (0.002%); highest among the groups gnomAD compares: Admixed American, 0.022%; no homozygotes.

Submission:

Labcorp Genetics (formerly Invitae), Labcorp
Classification: Uncertain significance for Muscular dystrophy-dystroglycanopathy (congenital with brain and eye anomalies), type a, 8. Last evaluated: 2022-08-22. Review status: criteria provided, single submitter. Criteria: Invitae Variant Classification Sherloc (09022015). Collection method: clinical testing. Allele origin: germline.
Comment: In summary, the available evidence is currently insufficient to determine the role of this variant in disease. Therefore, it has been classified as a Variant of Uncertain Significance. Algorithms developed to predict the effect of missense changes on protein structure and function are either unavailable or do not agree on the potential impact of this missense change (SIFT: "Deleterious"; PolyPhen-2: "Possibly Damaging"; Align-GVGD: "Class C0"). ClinVar contains an entry for this variant (Variation ID: 837523). This variant has not been reported in the literature in individuals affected with POMGNT2-related conditions. This variant is present in population databases (rs191081141, gnomAD 0.04%). This sequence change replaces valine, which is neutral and non-polar, with methionine, which is neutral and non-polar, at codon 277 of the POMGNT2 protein (p.Val277Met).